The following is an entry in ClinVar:

NM_000059.4(BRCA2):c.5847T>C (p.Asp1949=)

Gene: BRCA2 (BRCA2 DNA repair associated; plus strand). Cytogenetic location: 13q13.1.
Variant type: single nucleotide variant.
Coding change: c.5847T>C on transcript NM_000059.4 (MANE Select); coding-DNA position 5847, T replaced by C.
Protein change: p.Asp1949=; no amino-acid change (aspartic acid 1949 retained).
Molecular consequence: synonymous variant.
Genome position (GRCh38, 1-based): chr13:32,340,202, T>C. VCF-style: chr13-32340202-T-C. GRCh37 (hg19) VCF-style: chr13-32914339-T-C.
Identifiers: ClinVar variation 509995 (VCV000509995.10), dbSNP rs1179639240, ClinGen allele CA483439018.

ClinVar aggregate classification (germline): Likely benign. Review status: criteria provided, multiple submitters, no conflicts (2 of 4 stars). 3 submissions from 3 submitters: Likely benign (3). Last evaluated 2024-04-24.

Conditions:
Hereditary breast ovarian cancer syndrome. Also called: Hereditary breast and ovarian cancer syndrome; Breast and ovarian cancer; BRCA1- and BRCA2-Associated Hereditary Breast and Ovarian Cancer; Hereditary breast and ovarian cancer syndrome (HBOC); Hereditary breast and/or ovarian cancer syndrome; Hereditary breast and ovarian cancer. Identifiers: Orphanet 145, MedGen C0677776, MeSH D061325, MONDO:0003582. Disease mechanism: loss of function.
Hereditary cancer-predisposing syndrome. Also called: Hereditary neoplastic syndrome; Hereditary Cancer Syndrome; Neoplastic Syndromes, Hereditary; Tumor predisposition. Identifiers: Orphanet 140162, MedGen C0027672, MeSH D009386, MONDO:0015356.

Allele frequency attached by ClinVar (database versions not stated): gnomAD exomes below 0.00001.
gnomAD v4.1: 1 of 1,613,880 alleles (0.000062%); highest among the groups gnomAD compares: Non-Finnish European, 0.000085%; no homozygotes.

Submissions (3):

Labcorp Genetics (formerly Invitae), Labcorp
Classification: Likely benign for Hereditary breast ovarian cancer syndrome. Last evaluated: 2024-04-24. Review status: criteria provided, single submitter. Criteria: Invitae Variant Classification Sherloc (09022015). Collection method: clinical testing. Allele origin: germline.

Ambry Genetics
Classification: Likely benign for Hereditary cancer-predisposing syndrome. Last evaluated: 2018-03-29. Review status: criteria provided, single submitter. Criteria: Ambry Variant Classification Scheme 2023. Collection method: clinical testing. Allele origin: germline.

GeneDx
Classification: Likely benign. Last evaluated: 2017-05-31. Review status: criteria provided, single submitter. Criteria: GeneDx Variant Classification (06012015). Collection method: clinical testing. Allele origin: germline. Affected: yes.
Comment: This variant is considered likely benign or benign based on one or more of the following criteria: it is a conservative change, it occurs at a poorly conserved position in the protein, it is predicted to be benign by multiple in silico algorithms, and/or has population frequency not consistent with disease.